The following is an entry in ClinVar:

ClinVar aggregate classification (germline): Uncertain significance (1 of 4 stars; one submission).

Submission:

GeneDx
Classification: Uncertain significance. Last evaluated: 2026-08-26. Review status: criteria provided, single submitter. Criteria: GeneDx Variant Classification Process June 2021. Collection method: clinical testing. Allele origin: germline.
Comment: Not observed at significant frequency in large population cohorts (gnomAD); In silico analysis supports that this missense variant has a deleterious effect on protein structure/function; Has not been previously published as pathogenic or benign to our knowledge

NM_000540.3(RYR1):c.6203A>G (p.Glu2068Gly)

Gene: RYR1 (ryanodine receptor 1; plus strand). Cytogenetic location: 19q13.2.
Variant type: single nucleotide variant.
Coding change: c.6203A>G on transcript NM_000540.3 (MANE Select); coding-DNA position 6203, A replaced by G.
Protein change: p.Glu2068Gly; replaces glutamic acid 2068 with glycine.
Molecular consequence: missense variant.
Genome position (GRCh38, 1-based): chr19:38,492,565, A>G. VCF-style: chr19-38492565-A-G. GRCh37 (hg19) VCF-style: chr19-38983205-A-G.
Other names: c.6203A>G, p.Glu2068Gly (NM_001042723.2); short protein forms E2068G.
Identifiers: ClinVar variation 2663177 (VCV002663177.2), dbSNP rs2514265017, ClinGen allele CA405662253.